The following is an entry in ClinVar:

ClinVar aggregate classification (germline): Pathogenic (1 of 4 stars; one submission).

Conditions:
Duchenne muscular dystrophy (DMD). Also called: MUSCULAR DYSTROPHY, PSEUDOHYPERTROPHIC PROGRESSIVE, DUCHENNE TYPE; Duchenne Muscular Dystrophy (DMD). Identifiers: Orphanet 98896, MedGen C0013264, MONDO:0010679, OMIM 310200.

Submission:

Labcorp Genetics (formerly Invitae), Labcorp
Classification: Pathogenic for Duchenne muscular dystrophy. Last evaluated: 2016-05-04. Review status: criteria provided, single submitter. Criteria: Invitae Variant Classification Sherloc (09022015). Collection method: clinical testing. Allele origin: germline.
Comment: This variant is a gross deletion of the genomic region encompassing exons 48-57 of the DMD gene. This leads to an in-frame deletion, preserving the integrity of the reading frame. In addition, other in-frame deletions in the same region of the DMD gene have been reported in affected individuals (PMID: 10841222, 15841391 , 19907931, 25614876). For these reasons, this variant has been classified as Pathogenic.

NC_000023.11:g.(?_31496788)_(31875373_?)del

Genes: DMD (dystrophin; minus strand), LOC129391296 (MPRA-validated peak7373 silencer; plus strand). Cytogenetic location: Xp21.2-21.1.
Variant type: Deletion.
Identifiers: ClinVar variation 417490 (VCV000417490.1).